The following is an entry in ClinVar:

ClinVar aggregate classification (germline): Uncertain significance (1 of 4 stars; one submission).

Conditions:
Charcot-Marie-Tooth disease type 2. Also called: Charcot-Marie-Tooth type 2. Identifiers: Orphanet 64746, MedGen C0270914, MONDO:0018993.

Submission:

Labcorp Genetics (formerly Invitae), Labcorp
Classification: Uncertain significance for Charcot-Marie-Tooth disease type 2. Last evaluated: 2022-04-02. Review status: criteria provided, single submitter. Criteria: Invitae Variant Classification Sherloc (09022015). Collection method: clinical testing. Allele origin: germline.
Comment: This variant, c.431_445del, results in the deletion of 5 amino acid(s) of the AARS protein (p.Ala144_Ala148del), but otherwise preserves the integrity of the reading frame. This variant is not present in population databases (gnomAD no frequency). This variant has not been reported in the literature in individuals affected with AARS-related conditions. Experimental studies and prediction algorithms are not available or were not evaluated, and the functional significance of this variant is currently unknown. In summary, the available evidence is currently insufficient to determine the role of this variant in disease. Therefore, it has been classified as a Variant of Uncertain Significance.

NM_001605.3(AARS1):c.431_445del (p.Ala144_Ala148del)

Gene: AARS1 (alanyl-tRNA synthetase 1; minus strand). Cytogenetic location: 16q22.1.
Variant type: Deletion.
Coding change: c.431_445del on transcript NM_001605.3 (MANE Select); coding-DNA positions 431 to 445, 15 bases deleted (CTGGCTTAGAAGCAG).
Protein change: p.Ala144_Ala148del.
Molecular consequence: inframe deletion.
Genome position (GRCh38, 1-based): chr16:70,276,520-70,276,534, CTGCTTCTAAGCCAG deleted on the plus strand (CTGGCTTAGAAGCAG on the coding strand, the reverse complement: AARS1 is on the minus strand); deleting any 15 consecutive bases within chr16:70,276,520-70,276,541 gives the same sequence; the c. name uses the placement nearest the transcript's 3' end. VCF-style (leftmost placement, unchanged base first): chr16-70276519-TCTGCTTCTAAGCCAG-T. GRCh37 (hg19) VCF-style: chr16-70310422-TCTGCTTCTAAGCCAG-T.
Identifiers: ClinVar variation 2120898 (VCV002120898.4), dbSNP rs2507028552, ClinGen allele CA2580091892.